The following is an entry in ClinVar:

ClinVar aggregate classification (germline): Uncertain significance. Review status: criteria provided, multiple submitters, no conflicts (2 of 4 stars). 2 submissions from 2 submitters: Uncertain significance (2). Last evaluated 2026-03-17.

Conditions:
Hereditary cancer-predisposing syndrome. Also called: Tumor predisposition; Neoplastic Syndromes, Hereditary; Hereditary Cancer Syndrome; Hereditary neoplastic syndrome. Identifiers: Orphanet 140162, MedGen C0027672, MeSH D009386, MONDO:0015356.

Submissions (2):

Ambry Genetics
Classification: Uncertain significance for Hereditary cancer-predisposing syndrome. Last evaluated: 2026-03-17. Review status: criteria provided, single submitter. Criteria: Ambry Variant Classification Scheme 2023. Collection method: clinical testing. Allele origin: germline.

Labcorp Genetics (formerly Invitae), Labcorp
Classification: Uncertain significance. Last evaluated: 2021-07-06. Review status: criteria provided, single submitter. Criteria: Invitae Variant Classification Sherloc (09022015). Collection method: clinical testing. Allele origin: germline.
Comment: This variant has not been reported in the literature in individuals affected with POLE-related conditions. In summary, the available evidence is currently insufficient to determine the role of this variant in disease. Therefore, it has been classified as a Variant of Uncertain Significance. Algorithms developed to predict the effect of missense changes on protein structure and function (SIFT, PolyPhen-2, Align-GVGD) all suggest that this variant is likely to be tolerated. This variant is not present in population databases (ExAC no frequency). This sequence change replaces lysine with glutamic acid at codon 2073 of the POLE protein (p.Lys2073Glu). The lysine residue is moderately conserved and there is a small physicochemical difference between lysine and glutamic acid.

NM_006231.4(POLE):c.6217A>G (p.Lys2073Glu)

Gene: POLE (DNA polymerase epsilon, catalytic subunit; minus strand). Cytogenetic location: 12q24.33.
Variant type: single nucleotide variant.
Coding change: c.6217A>G on transcript NM_006231.4 (MANE Select); coding-DNA position 6217, A replaced by G.
Protein change: p.Lys2073Glu; replaces lysine 2073 with glutamic acid.
Molecular consequence: missense variant.
Genome position (GRCh38, 1-based): chr12:132,632,428, T>C on the plus strand (A>G on the coding strand, the complement: POLE is on the minus strand). VCF-style: chr12-132632428-T-C. GRCh37 (hg19) VCF-style: chr12-133209014-T-C.
Other names: c.6217A>G (NM_006231.2); short protein forms K2073E.
Identifiers: ClinVar variation 1503830 (VCV001503830.9), dbSNP rs2138460641, ClinGen allele CA387369658.
Genomic context (GRCh38, chr12:132,632,428, plus strand): 5'-AACCGGGGAGGACAGGAAACATCTCTGAGAGCTCAGTGGAGTTCCGAGAGCCTGTGACTT[T>C]CTTCTGAATCTTCTGAGTGATGGTGAAGAAGCTCTGAGTGAGCTCATTTGCGACATAATC-3'
Protein context (NP_006222.2, residues 2063-2083): FFTITQKIQK[Lys2073Glu]VTGSRNSTEL